The following is an entry in ClinVar:

NM_153026.3(PRICKLE1):c.2156G>A (p.Arg719Gln)

Gene: PRICKLE1 (prickle planar cell polarity protein 1; minus strand). Cytogenetic location: 12q12.
Variant type: single nucleotide variant.
Coding change: c.2156G>A on transcript NM_153026.3 (MANE Select); coding-DNA position 2156, G replaced by A.
Protein change: p.Arg719Gln; replaces arginine 719 with glutamine.
Molecular consequence: missense variant.
Genome position (GRCh38, 1-based): chr12:42,460,149, C>T on the plus strand (G>A on the coding strand, the complement: PRICKLE1 is on the minus strand). VCF-style: chr12-42460149-C-T. GRCh37 (hg19) VCF-style: chr12-42853951-C-T.
Other names: c.2156G>A, p.Arg719Gln (NM_001144881.2, NM_001144882.2, NM_001144883.2); short protein forms R719Q.
Identifiers: ClinVar variation 948523 (VCV000948523.5), dbSNP rs779059953, ClinGen allele CA6519643.

ClinVar aggregate classification (germline): Uncertain significance (1 of 4 stars; one submission).

Conditions:
Epilepsy, progressive myoclonic, 1B. Also called: PME. Identifiers: Orphanet 308, MedGen C2676254, MONDO:0012904, OMIM 612437.

Allele frequency attached by ClinVar (database versions not stated): gnomAD 0.00001; gnomAD exomes 0.00001 and 0.00002; TOPMed 0.00002; ExAC 0.00003.
gnomAD v4.1: 32 of 1,613,980 alleles (0.002%); highest among the groups gnomAD compares: South Asian, 0.0088%; no homozygotes.

Submission:

Labcorp Genetics (formerly Invitae), Labcorp
Classification: Uncertain significance for Epilepsy, progressive myoclonic, 1B. Last evaluated: 2022-08-23. Review status: criteria provided, single submitter. Criteria: Invitae Variant Classification Sherloc (09022015). Collection method: clinical testing. Allele origin: germline.
Comment: This sequence change replaces arginine, which is basic and polar, with glutamine, which is neutral and polar, at codon 719 of the PRICKLE1 protein (p.Arg719Gln). This variant is present in population databases (rs779059953, gnomAD 0.007%). This variant has not been reported in the literature in individuals affected with PRICKLE1-related conditions. ClinVar contains an entry for this variant (Variation ID: 948523). Algorithms developed to predict the effect of missense changes on protein structure and function are either unavailable or do not agree on the potential impact of this missense change (SIFT: "Deleterious"; PolyPhen-2: "Benign"; Align-GVGD: "Class C0"). In summary, the available evidence is currently insufficient to determine the role of this variant in disease. Therefore, it has been classified as a Variant of Uncertain Significance.